The following is an entry in ClinVar:

NM_031942.5(CDCA7):c.662C>T (p.Ser221Leu)

Gene: CDCA7 (cell division cycle associated 7; plus strand). Cytogenetic location: 2q31.1.
Variant type: single nucleotide variant.
Coding change: c.662C>T on transcript NM_031942.5 (MANE Select); coding-DNA position 662, C replaced by T.
Protein change: p.Ser221Leu; replaces serine 221 with leucine.
Molecular consequence: missense variant.
Genome position (GRCh38, 1-based): chr2:173,363,858, C>T. VCF-style: chr2-173363858-C-T. GRCh37 (hg19) VCF-style: chr2-174228586-C-T.
Other names: c.425C>T, p.Ser142Leu (NM_145810.3); c.662C>T (NM_031942.4); short protein forms S221L, S142L.
Identifiers: ClinVar variation 1389617 (VCV001389617.4), dbSNP rs372048796, ClinGen allele CA1971287.

ClinVar aggregate classification (germline): Uncertain significance. Review status: criteria provided, multiple submitters, no conflicts (2 of 4 stars). 2 submissions from 2 submitters: Uncertain significance (2). Last evaluated 2025-05-16.

Allele frequency attached by ClinVar (database versions not stated): gnomAD exomes 0.00003; gnomAD 0.00001; ESP Exome Variant Server 0.00008; ExAC 0.00002; TOPMed 0.00002.
gnomAD v4.1: 15 of 1,614,086 alleles (0.00093%); highest among the groups gnomAD compares: Middle Eastern, 0.016%; no homozygotes.

Submissions (2):

Ambry Genetics
Classification: Uncertain significance. Last evaluated: 2025-05-16. Review status: criteria provided, single submitter. Criteria: Ambry Variant Classification Scheme 2023. Collection method: clinical testing. Allele origin: germline.

Labcorp Genetics (formerly Invitae), Labcorp
Classification: Uncertain significance. Last evaluated: 2022-03-15. Review status: criteria provided, single submitter. Criteria: Invitae Variant Classification Sherloc (09022015). Collection method: clinical testing. Allele origin: germline.
Comment: This sequence change replaces serine, which is neutral and polar, with leucine, which is neutral and non-polar, at codon 221 of the CDCA7 protein (p.Ser221Leu). This variant is present in population databases (rs372048796, gnomAD 0.004%). This variant has not been reported in the literature in individuals affected with CDCA7-related conditions. Algorithms developed to predict the effect of missense changes on protein structure and function output the following: SIFT: "Tolerated"; PolyPhen-2: "Benign"; Align-GVGD: "Class C0". The leucine amino acid residue is found in multiple mammalian species, which suggests that this missense change does not adversely affect protein function. In summary, the available evidence is currently insufficient to determine the role of this variant in disease. Therefore, it has been classified as a Variant of Uncertain Significance.